The following is an entry in ClinVar:

ClinVar aggregate classification (germline): Likely pathogenic (1 of 4 stars; one submission).

Conditions:
Nemaline myopathy 9 (NEM9). Identifiers: MedGen C3810384, MONDO:0014326, OMIM 615731.

Submission:

Dasa
Classification: Likely pathogenic for Nemaline myopathy 9. Last evaluated: 2024-11-13. Review status: criteria provided, single submitter. Criteria: DASA Assertion Criteria. Collection method: clinical testing. Allele origin: germline.
Comment: NM_006063.3(KLHL41):c.825dup (p.Gly276Trpfs*2) is a frameshift variant in KLHL41 predicted to alter the reading frame and introduce a premature termination codon and is predicted to result in an absent or altered protein product. Loss of function is an established disease mechanism for KLHL41-associated disorders. Also, this variant is absent from population databases. Based on the currently available evidence, this variant is classified as likely pathogenic.

NM_006063.3(KLHL41):c.825dup (p.Gly276fs)

Gene: KLHL41 (kelch like family member 41; plus strand). Cytogenetic location: 2q31.1.
Variant type: Duplication.
Coding change: c.825dup on transcript NM_006063.3 (MANE Select); coding-DNA position 825, one base duplicated (T; older notation c.825dupT).
Protein change: p.Gly276fs; shifts the reading frame from glycine 276.
Molecular consequence: frameshift variant.
Genome position (GRCh38, 1-based): chr2:169,510,603, T duplicated. VCF-style (leftmost placement, unchanged base first): chr2-169510602-C-CT. GRCh37 (hg19) VCF-style: chr2-170367112-C-CT.
Other names: short protein forms G276fs.
Identifiers: ClinVar variation 4880540 (VCV004880540.2).